The following is an entry in ClinVar:

ClinVar aggregate classification (germline): Uncertain significance (1 of 4 stars; one submission).

Conditions:
Dyskeratosis congenita. Identifiers: Orphanet 1775, MedGen C0265965, MONDO:0015780.

gnomAD v4.1: 1 of 1,611,118 alleles (0.000062%); highest among the groups gnomAD compares: Non-Finnish European, 0.000085%; no homozygotes.

Submission:

Labcorp Genetics (formerly Invitae), Labcorp
Classification: Uncertain significance for Dyskeratosis congenita. Last evaluated: 2022-10-05. Review status: criteria provided, single submitter. Criteria: Invitae Variant Classification Sherloc (09022015). Collection method: clinical testing. Allele origin: germline.
Comment: In summary, the available evidence is currently insufficient to determine the role of this variant in disease. Therefore, it has been classified as a Variant of Uncertain Significance. Algorithms developed to predict the effect of missense changes on protein structure and function (SIFT, PolyPhen-2, Align-GVGD) all suggest that this variant is likely to be disruptive. This variant has not been reported in the literature in individuals affected with NHP2-related conditions. This variant is not present in population databases (gnomAD no frequency). This sequence change replaces proline, which is neutral and non-polar, with leucine, which is neutral and non-polar, at codon 109 of the NHP2 protein (p.Pro109Leu).

NM_017838.4(NHP2):c.326C>T (p.Pro109Leu)

Gene: NHP2 (NHP2 ribonucleoprotein; minus strand). Cytogenetic location: 5q35.3.
Variant type: single nucleotide variant.
Coding change: c.326C>T on transcript NM_017838.4 (MANE Select); coding-DNA position 326, C replaced by T.
Protein change: p.Pro109Leu; replaces proline 109 with leucine.
Molecular consequence: missense variant. On other transcripts: intron variant (1).
Genome position (GRCh38, 1-based): chr5:178,150,898, G>A on the plus strand (C>T on the coding strand, the complement: NHP2 is on the minus strand). VCF-style: chr5-178150898-G-A. GRCh37 (hg19) VCF-style: chr5-177577899-G-A.
Other names: c.326C>T, p.Pro109Leu (NM_001396110.1); c.231-1060C>T (NM_001034833.2); short protein forms P109L.
Identifiers: ClinVar variation 1904532 (VCV001904532.5), dbSNP rs771358605, ClinGen allele CA362391737.